The following is an entry in ClinVar:

ClinVar aggregate classification (germline): Uncertain significance (1 of 4 stars; one submission).

Allele frequency attached by ClinVar (database versions not stated): gnomAD exomes below 0.00001; ExAC 0.00001.
gnomAD v4.1: 1 of 1,612,750 alleles (0.000062%); highest among the groups gnomAD compares: Non-Finnish European, 0.000085%; no homozygotes.

Submission:

Labcorp Genetics (formerly Invitae), Labcorp
Classification: Uncertain significance. Last evaluated: 2024-11-27. Review status: criteria provided, single submitter. Criteria: Invitae Variant Classification Sherloc (09022015). Collection method: clinical testing. Allele origin: germline.
Comment: This sequence change replaces threonine, which is neutral and polar, with alanine, which is neutral and non-polar, at codon 182 of the DSG1 protein (p.Thr182Ala). The frequency data for this variant in the population databases is considered unreliable, as metrics indicate poor data quality at this position in the gnomAD database. This variant has not been reported in the literature in individuals affected with DSG1-related conditions. ClinVar contains an entry for this variant (Variation ID: 2787160). Invitae Evidence Modeling of protein sequence and biophysical properties (such as structural, functional, and spatial information, amino acid conservation, physicochemical variation, residue mobility, and thermodynamic stability) indicates that this missense variant is not expected to disrupt DSG1 protein function with a negative predictive value of 80%. In summary, the available evidence is currently insufficient to determine the role of this variant in disease. Therefore, it has been classified as a Variant of Uncertain Significance.

NM_001942.4(DSG1):c.544A>G (p.Thr182Ala)

Gene: DSG1 (desmoglein 1; plus strand). Cytogenetic location: 18q12.1.
Variant type: single nucleotide variant.
Coding change: c.544A>G on transcript NM_001942.4 (MANE Select); coding-DNA position 544, A replaced by G.
Protein change: p.Thr182Ala; replaces threonine 182 with alanine.
Molecular consequence: missense variant.
Genome position (GRCh38, 1-based): chr18:31,331,727, A>G. VCF-style: chr18-31331727-A-G. GRCh37 (hg19) VCF-style: chr18-28911690-A-G.
Other names: short protein forms T182A.
Identifiers: ClinVar variation 2787160 (VCV002787160.3), dbSNP rs763320707, ClinGen allele CA8925873.